The following is an entry in ClinVar:

NM_001164508.2(NEB):c.8371G>T (p.Glu2791Ter)

Gene: NEB (nebulin; minus strand). Cytogenetic location: 2q23.3.
Variant type: single nucleotide variant.
Coding change: c.8371G>T on transcript NM_001164508.2 (MANE Select); coding-DNA position 8371, G replaced by T.
Protein change: p.Glu2791Ter; replaces glutamic acid 2791 with a stop codon.
Molecular consequence: nonsense.
Genome position (GRCh38, 1-based): chr2:151,642,576, C>A on the plus strand (G>T on the coding strand, the complement: NEB is on the minus strand). VCF-style: chr2-151642576-C-A. GRCh37 (hg19) VCF-style: chr2-152499090-C-A.
Other names: c.8371G>T, p.Glu2791Ter (NM_001164507.2, NM_001271208.2, NM_004543.5); short protein forms E2791*.
Identifiers: ClinVar variation 5013853 (VCV005013853.1).

ClinVar aggregate classification (germline): Pathogenic (1 of 4 stars; one submission).

Conditions:
Nemaline myopathy 2 (NEM2). Also called: Nemaline myopathy 2, autosomal recessive. Identifiers: MedGen C1850569, MONDO:0009725, OMIM 256030.

gnomAD v4.1: 2 of 1,607,856 alleles (0.00012%); highest among the groups gnomAD compares: Non-Finnish European, 0.00017%; no homozygotes.

Submission:

Myriad Genetics, Inc.
Classification: Pathogenic for Nemaline myopathy 2. Last evaluated: 2024-12-13. Review status: criteria provided, single submitter. Criteria: Myriad Autosomal Dominant, Autosomal Recessive and X-Linked Classification Criteria (2023). Collection method: clinical testing. Allele origin: unknown.
Comment: NM_001271208.1(NEB):c.8371G>T(E2791*) is expected to be pathogenic in the context of NEB-related nemaline myopathy. This variant is predicted to lead to an abnormal or absent protein product due to the creation of a premature termination codon in NEB, a gene where loss-of-function variants are known to be pathogenic. Please note: this variant was assessed in the context of healthy population screening.